The following is an entry in ClinVar:

ClinVar aggregate classification (germline): Uncertain significance. Review status: criteria provided, multiple submitters, no conflicts (2 of 4 stars). 2 submissions from 2 submitters: Uncertain significance (2). Last evaluated 2025-10-09.

Conditions:
Inborn genetic diseases. Identifiers: MedGen C0950123, MeSH D030342.

Allele frequency attached by ClinVar (database versions not stated): ExAC 0.00001; gnomAD 0.00001; gnomAD exomes 0.00001; TOPMed 0.00001.
gnomAD v4.1: 23 of 1,613,698 alleles (0.0014%); highest among the groups gnomAD compares: Admixed American, 0.0033%; no homozygotes.

Submissions (2):

Labcorp Genetics (formerly Invitae), Labcorp
Classification: Uncertain significance. Last evaluated: 2025-10-09. Review status: criteria provided, single submitter. Criteria: Invitae Variant Classification Sherloc (09022015). Collection method: clinical testing. Allele origin: germline.
Comment: This sequence change replaces aspartic acid, which is acidic and polar, with asparagine, which is neutral and polar, at codon 50 of the C1QB protein (p.Asp50Asn). The frequency data for this variant in the population databases is considered unreliable, as metrics indicate poor data quality at this position in the gnomAD database. This variant has not been reported in the literature in individuals affected with C1QB-related conditions. ClinVar contains an entry for this variant (Variation ID: 1404642). Invitae Evidence Modeling of protein sequence and biophysical properties (such as structural, functional, and spatial information, amino acid conservation, physicochemical variation, residue mobility, and thermodynamic stability) indicates that this missense variant is not expected to disrupt C1QB protein function with a negative predictive value of 80%. In summary, the available evidence is currently insufficient to determine the role of this variant in disease. Therefore, it has been classified as a Variant of Uncertain Significance.

Ambry Genetics
Classification: Uncertain significance for Inborn genetic diseases. Last evaluated: 2025-06-07. Review status: criteria provided, single submitter. Criteria: Ambry Variant Classification Scheme 2023. Collection method: clinical testing. Allele origin: germline.

NM_001378156.1(C1QB):c.142G>A (p.Asp48Asn)

Gene: C1QB (complement C1q B chain; plus strand). Cytogenetic location: 1p36.12.
Variant type: single nucleotide variant.
Coding change: c.142G>A on transcript NM_001378156.1 (MANE Select); coding-DNA position 142, G replaced by A.
Protein change: p.Asp48Asn; replaces aspartic acid 48 with asparagine.
Molecular consequence: missense variant.
Genome position (GRCh38, 1-based): chr1:22,659,604, G>A. VCF-style: chr1-22659604-G-A. GRCh37 (hg19) VCF-style: chr1-22986097-G-A.
Other names: c.148G>A, p.Asp50Asn (NM_000491.5); c.142G>A, p.Asp48Asn (NM_001371184.3); c.148G>A (NM_000491.3); short protein forms D48N, D50N.
Identifiers: ClinVar variation 1404642 (VCV001404642.9), dbSNP rs770317321, ClinGen allele CA678100.
Genomic context (GRCh38, chr1:22,659,604, plus strand): 5'-AGCTGCACCGGGCCCCCAGCCATCCCTGGCATCCCGGGTATCCCTGGGACACCTGGCCCC[G>A]ATGGCCAACCTGGGACCCCAGGGATAAAAGGAGAGAAAGGTACCATGGGATTTAGCAGGA-3'
Protein context (NP_001365085.1, residues 38-58): IPGIPGTPGP[Asp48Asn]GQPGTPGIKG